The following is an entry in ClinVar:

NM_003480.4(MFAP5):c.355G>A (p.Val119Ile)

Gene: MFAP5 (microfibril associated protein 5; minus strand). Cytogenetic location: 12p13.31.
Variant type: single nucleotide variant.
Coding change: c.355G>A on transcript NM_003480.4 (MANE Select); coding-DNA position 355, G replaced by A.
Protein change: p.Val119Ile; replaces valine 119 with isoleucine.
Molecular consequence: missense variant. On other transcripts: non-coding transcript variant (2), intron variant (1).
Genome position (GRCh38, 1-based): chr12:8,649,555, C>T on the plus strand (G>A on the coding strand, the complement: MFAP5 is on the minus strand). VCF-style: chr12-8649555-C-T. GRCh37 (hg19) VCF-style: chr12-8802151-C-T.
Other names: c.325G>A, p.Val109Ile (NM_001297709.2); c.289G>A, p.Val97Ile (NM_001297710.2); c.280G>A, p.Val94Ile (NM_001297711.2); c.218-1352G>A (NM_001297712.2); c.355G>A (NM_003480.2); short protein forms V119I, V109I, V94I, V97I.
Identifiers: ClinVar variation 973181 (VCV000973181.9), dbSNP rs192822432, ClinGen allele CA6434601.

ClinVar aggregate classification (germline): Conflicting classifications of pathogenicity. Review status: criteria provided, conflicting classifications (1 of 4 stars). 2 submissions from 2 submitters: Uncertain significance (1); Likely benign (1). Last evaluated 2025-07-21.

Conditions:
Familial thoracic aortic aneurysm and aortic dissection (TAAD). Also called: Thoracic aortic aneurysms and dissections. Identifiers: Orphanet 91387, MedGen C4707243, MONDO:0019625.
Cardiovascular phenotype. Identifiers: MedGen CN230736.

Allele frequency attached by ClinVar (database versions not stated): gnomAD exomes 0.00001 and 0.00002; ExAC 0.00002; TOPMed 0.00002; gnomAD 0.00006; 1000 Genomes Project 30x 0.00016; 1000 Genomes Project 0.00020.
gnomAD v4.1: 32 of 1,613,948 alleles (0.002%); highest among the groups gnomAD compares: South Asian, 0.012%; no homozygotes.

Submissions (2):

Ambry Genetics
Classification: Likely benign for Cardiovascular phenotype. Last evaluated: 2025-07-21. Review status: criteria provided, single submitter. Criteria: Ambry Variant Classification Scheme 2023. Collection method: clinical testing. Allele origin: germline.

Labcorp Genetics (formerly Invitae), Labcorp
Classification: Uncertain significance. Last evaluated: 2024-08-29. Review status: criteria provided, single submitter. Criteria: Invitae Variant Classification Sherloc (09022015). Collection method: clinical testing. Allele origin: germline.
Comment: This sequence change replaces valine, which is neutral and non-polar, with isoleucine, which is neutral and non-polar, at codon 119 of the MFAP5 protein (p.Val119Ile). This variant is present in population databases (rs192822432, gnomAD 0.01%). This variant has not been reported in the literature in individuals affected with MFAP5-related conditions. ClinVar contains an entry for this variant (Variation ID: 973181). An algorithm developed to predict the effect of missense changes on protein structure and function outputs the following: PolyPhen-2: "Benign". The isoleucine amino acid residue is found in multiple mammalian species, which suggests that this missense change does not adversely affect protein function. In summary, the available evidence is currently insufficient to determine the role of this variant in disease. Therefore, it has been classified as a Variant of Uncertain Significance.